The following is an entry in ClinVar:

NM_021220.4(OVOL2):c.321+4C>G

Gene: OVOL2 (ovo like zinc finger 2; minus strand). Cytogenetic location: 20p11.23.
Variant type: single nucleotide variant.
Coding change: c.321+4C>G on transcript NM_021220.4 (MANE Select); 4 bases into the intron after coding-DNA position 321, C replaced by G.
Molecular consequence: intron variant.
Genome position (GRCh38, 1-based): chr20:18,056,653, G>C on the plus strand (C>G on the coding strand, the complement: OVOL2 is on the minus strand). VCF-style: chr20-18056653-G-C. GRCh37 (hg19) VCF-style: chr20-18037297-G-C.
Other names: c.-76+2427C>G (NM_001303462.1); c.-76+4C>G (NM_001303461.1).
Identifiers: ClinVar variation 2074832 (VCV002074832.4), dbSNP rs2514638062, ClinGen allele CA2580097911.
Genomic context (GRCh38, chr20:18,056,653, plus strand): 5'-GGCCTCGGGAGCCCGACGCCAGGGCGTGGTGCAGGTGGCGGCGGGGGCAGAGTCGACACA[G>C]TACCTTGATTTTCGATCTGGCGACCGGGCGCTGCTTGGTCGCCAGGTGTCCATCGGGGCC-3'

ClinVar aggregate classification (germline): Uncertain significance (1 of 4 stars; one submission).

Submission:

Labcorp Genetics (formerly Invitae), Labcorp
Classification: Uncertain significance. Last evaluated: 2022-08-22. Review status: criteria provided, single submitter. Criteria: Invitae Variant Classification Sherloc (09022015). Collection method: clinical testing. Allele origin: germline.
Comment: Variants that disrupt the consensus splice site are a relatively common cause of aberrant splicing (PMID: 17576681, 9536098). Algorithms developed to predict the effect of sequence changes on RNA splicing suggest that this variant is not likely to affect RNA splicing. In summary, the available evidence is currently insufficient to determine the role of this variant in disease. Therefore, it has been classified as a Variant of Uncertain Significance. This variant has not been reported in the literature in individuals affected with OVOL2-related conditions. This variant is not present in population databases (gnomAD no frequency). This sequence change falls in intron 2 of the OVOL2 gene. It does not directly change the encoded amino acid sequence of the OVOL2 protein. It affects a nucleotide within the consensus splice site.

Literature cited by the submitters: PubMed 17576681; PubMed 9536098.